The following is an entry in ClinVar:

NM_015135.3(NUP205):c.5C>T (p.Ala2Val)

Gene: NUP205 (nucleoporin 205; plus strand). Cytogenetic location: 7q33.
Variant type: single nucleotide variant.
Coding change: c.5C>T on transcript NM_015135.3 (MANE Select); coding-DNA position 5, C replaced by T.
Protein change: p.Ala2Val; replaces alanine 2 with valine.
Molecular consequence: missense variant. On other transcripts: 5 prime UTR variant (1).
Genome position (GRCh38, 1-based): chr7:135,557,949, C>T. VCF-style: chr7-135557949-C-T. GRCh37 (hg19) VCF-style: chr7-135242697-C-T.
Other names: c.-1081C>T (NM_001329434.2); short protein forms A2V.
Identifiers: ClinVar variation 3301509 (VCV003301509.2).
Genomic context (GRCh38, chr7:135,557,949, plus strand): 5'-TCACCCTTTCCCGGGGCCTCCATGCGGCAGAAGGGCTCTGTTAGTGCGCCTCTAAGATGG[C>T]GACGCCTTTGGCGGTAAATTCGGGTAAGTGTGGCCAGACAGAAAGACGATTGAGCTGAGC-3'
Protein context (NP_055950.2, residues 1-12): M[Ala2Val]TPLAVNSAAS

ClinVar aggregate classification (germline): Uncertain significance. Review status: criteria provided, multiple submitters, no conflicts (2 of 4 stars). 2 submissions from 2 submitters: Uncertain significance (2). Last evaluated 2026-06-12.

Conditions:
Nephrotic syndrome, type 13 (NPHS13). Identifiers: Orphanet 656, MedGen C4225165, MONDO:0014818, OMIM 616893.

gnomAD v4.1: 29 of 1,613,492 alleles (0.0018%); highest among the groups gnomAD compares: South Asian, 0.03%; no homozygotes.

Submissions (2):

Navigene Genetic Science Pvt Ltd
Classification: Uncertain significance for Nephrotic syndrome, type 13. Last evaluated: 2026-06-12. Review status: criteria provided, single submitter. Criteria: ACMG Guidelines, 2015. Collection method: clinical testing. Allele origin: germline. Affected: yes. Observed: 1 variant allele, 1 heterozygote.
Comment: This variant was classified as a Variant of Uncertain Significance (VUS) according to the ACMG/AMP 2015 guidelines (PM2). The variant is a heterozygous missense change in the NUP205 gene. It is present at a very low frequency in the gnomAD database (allele frequency: 0.0001797%) and has been reported in ClinVar as a Variant of Uncertain Significance (VCV003301509.1). Computational prediction tools, including MutationTaster and GenoCanyon, support a deleterious effect of the variant. ORVAL analysis suggests a potential interaction between NUP205 and NUP85, indicating a possible combined contribution to the observed phenotype; however, the current evidence is insufficient to establish a causal role. Therefore, based on the available clinical, population, computational, and literature evidence, this variant is classified as a Variant of Uncertain Significance.

Ambry Genetics
Classification: Uncertain significance. Last evaluated: 2024-06-10. Review status: criteria provided, single submitter. Criteria: Ambry Variant Classification Scheme 2023. Collection method: clinical testing. Allele origin: germline.